The following is an entry in ClinVar:

NM_001367624.2(ZNF469):c.5324G>T (p.Gly1775Val)

Gene: ZNF469 (zinc finger protein 469; plus strand). Cytogenetic location: 16q24.2.
Variant type: single nucleotide variant.
Coding change: c.5324G>T on transcript NM_001367624.2 (MANE Select); coding-DNA position 5324, G replaced by T.
Protein change: p.Gly1775Val; replaces glycine 1775 with valine.
Molecular consequence: missense variant.
Genome position (GRCh38, 1-based): chr16:88,432,794, G>T. VCF-style: chr16-88432794-G-T. GRCh37 (hg19) VCF-style: chr16-88499202-G-T.
Other names: NM_001127464.1:c.5240G>T; short protein forms G1775V.
Identifiers: ClinVar variation 2080729 (VCV002080729.3), dbSNP rs1253923027, ClinGen allele CA397096798.
Genomic context (GRCh38, chr16:88,432,794, plus strand): 5'-CCGCCAGCTCACAAGAAAGTGAAGACTCCCTGCGGCTGCTTCCCTGTGAACAGAGAGGAG[G>T]GTTCCTCCCAGAGCCCGGCACAGCAGACCAGCCCCACCGAGGGGCCCCTGCTCCAGAAGC-3'
Protein context (NP_001354553.1, residues 1765-1785): LRLLPCEQRG[Gly1775Val]FLPEPGTADQ

ClinVar aggregate classification (germline): Uncertain significance. Review status: criteria provided, multiple submitters, no conflicts (2 of 4 stars). 2 submissions from 2 submitters: Uncertain significance (2). Last evaluated 2022-11-27.

Conditions:
Cardiovascular phenotype. Identifiers: MedGen CN230736.

Submissions (2):

Ambry Genetics
Classification: Uncertain significance for Cardiovascular phenotype. Last evaluated: 2022-11-27. Review status: criteria provided, single submitter. Criteria: Ambry Variant Classification Scheme 2023. Collection method: clinical testing. Allele origin: germline.
Comment: The p.G1747V variant (also known as c.5240G>T), located in coding exon 2 of the ZNF469 gene, results from a G to T substitution at nucleotide position 5240. The glycine at codon 1747 is replaced by valine, an amino acid with dissimilar properties. This amino acid position is conserved. In addition, this alteration is predicted to be tolerated by in silico analysis. Since supporting evidence is limited at this time, the clinical significance of this alteration remains unclear.

Labcorp Genetics (formerly Invitae), Labcorp
Classification: Uncertain significance. Last evaluated: 2022-03-14. Review status: criteria provided, single submitter. Criteria: Invitae Variant Classification Sherloc (09022015). Collection method: clinical testing. Allele origin: germline.
Comment: This sequence change replaces glycine, which is neutral and non-polar, with valine, which is neutral and non-polar, at codon 1747 of the ZNF469 protein (p.Gly1747Val). The frequency data for this variant in the population databases is considered unreliable, as metrics indicate poor data quality at this position in the gnomAD database. This variant has not been reported in the literature in individuals affected with ZNF469-related conditions. Algorithms developed to predict the effect of missense changes on protein structure and function are either unavailable or do not agree on the potential impact of this missense change (SIFT: "Tolerated"; PolyPhen-2: "Possibly Damaging"; Align-GVGD: "Class C0"). In summary, the available evidence is currently insufficient to determine the role of this variant in disease. Therefore, it has been classified as a Variant of Uncertain Significance.